The following is an entry in ClinVar:

ClinVar aggregate classification (germline): Uncertain significance (0 of 4 stars; one submission).

Submission:

Institute of Medical Genetics and Genomics, Sir Ganga Ram Hospital
Classification: Uncertain significance. Last evaluated: 2022-02-18. Review status: no assertion criteria provided. Collection method: clinical testing. Allele origin: germline. Inheritance: Autosomal recessive inheritance. Affected: yes. Observed: 1 homozygote.
Comment: This variant, in homozygous state has never been reported in population data bases. The variant is very close to canonical splice junction in intron 2, which is predicted to be damaging.

NM_006839.3(IMMT):c.119+4_119+49del

Gene: IMMT (inner membrane mitochondrial protein; minus strand). Cytogenetic location: 2p11.2.
Variant type: Deletion.
Coding change: c.119+4_119+49del on transcript NM_006839.3 (MANE Select); bases 4 to 49 of the intron after coding-DNA position 119, 46 bases deleted.
Molecular consequence: splice donor variant.
Genome position (GRCh38, 1-based): chr2:86,181,250-86,181,295, 46 bases deleted; deleting any 46 consecutive bases within chr2:86,181,250-86,181,297 gives the same sequence; the c. name uses the placement nearest the transcript's 3' end. GRCh37 (hg19): chr2:86,408,375-86,408,420.
Other names: c.119+4_119+49del (NM_001100170.2, NM_001100169.2).
Identifiers: ClinVar variation 1342181 (VCV001342181.5), dbSNP rs748333563, ClinGen allele CA1748329.